The following is an entry in ClinVar:

NM_001367823.1(ARHGEF18):c.2452+6C>T

Gene: ARHGEF18 (Rho/Rac guanine nucleotide exchange factor 18; plus strand). Cytogenetic location: 19p13.2.
Variant type: single nucleotide variant.
Coding change: c.2452+6C>T on transcript NM_001367823.1 (MANE Select); 6 bases into the intron after coding-DNA position 2452, C replaced by T.
Molecular consequence: intron variant.
Genome position (GRCh38, 1-based): chr19:7,460,000, C>T. VCF-style: chr19-7460000-C-T. GRCh37 (hg19) VCF-style: chr19-7524886-C-T.
Other names: c.1414+6C>T (NM_001367824.1, NM_015318.4); c.1726+6C>T (NM_001130955.2).
Identifiers: ClinVar variation 1000579 (VCV001000579.5), dbSNP rs372481931, ClinGen allele CA9136843.
Genomic context (GRCh38, chr19:7,460,000, plus strand): 5'-GAAGAGGAAAGGAAGGTGGTCGAGGCCCGCGCCACGAGACTCCGGGACTTTCAAGGTGAG[C>T]GGGAGACAGCGTCTGGGCACACCCCTTGTGTGGTGAGCCCTGGGCCCTCCATCAGGACTG-3'

ClinVar aggregate classification (germline): Uncertain significance (1 of 4 stars; one submission).

Allele frequency attached by ClinVar (database versions not stated): ESP Exome Variant Server 0.00008.
gnomAD v4.1: 72 of 1,566,046 alleles (0.0046%); highest among the groups gnomAD compares: East Asian, 0.021%; no homozygotes.

Submission:

Labcorp Genetics (formerly Invitae), Labcorp
Classification: Uncertain significance. Last evaluated: 2023-06-13. Review status: criteria provided, single submitter. Criteria: Invitae Variant Classification Sherloc (09022015). Collection method: clinical testing. Allele origin: germline.
Comment: ClinVar contains an entry for this variant (Variation ID: 1000579). Variants that disrupt the consensus splice site are a relatively common cause of aberrant splicing (PMID: 17576681, 9536098). Algorithms developed to predict the effect of sequence changes on RNA splicing suggest that this variant is not likely to affect RNA splicing. In summary, the available evidence is currently insufficient to determine the role of this variant in disease. Therefore, it has been classified as a Variant of Uncertain Significance. This variant has not been reported in the literature in individuals affected with ARHGEF18-related conditions. This sequence change falls in intron 10 of the ARHGEF18 gene. It does not directly change the encoded amino acid sequence of the ARHGEF18 protein. It affects a nucleotide within the consensus splice site. The frequency data for this variant in the population databases is considered unreliable, as metrics indicate poor data quality at this position in the gnomAD database.

Literature cited by the submitters: PubMed 17576681; PubMed 9536098.